The following is an entry in ClinVar:

NM_004174.4(SLC9A3):c.59_60delinsTT (p.Gly20Val)

Gene: SLC9A3 (solute carrier family 9 member A3). Cytogenetic location: 5p15.33.
Variant type: Indel.
Coding change: c.59_60delinsTT on transcript NM_004174.4 (MANE Select); coding-DNA positions 59 to 60, the reference bases replaced by TT.
Protein change: p.Gly20Val; replaces glycine 20 with valine.
Molecular consequence: missense variant.
Genome position: GRCh38 VCF-style: chr5-524263-GC-AA. GRCh37 (hg19) VCF-style: chr5-524378-GC-AA.
Other names: c.59_60delinsTT, p.Gly20Val (NM_001284351.3); short protein forms G20V.
Identifiers: ClinVar variation 4685158 (VCV004685158.1).
Genomic context (GRCh38, chr5:524,263, plus strand): 5'-CCCGCTCTCGCCGTGCGCGCCGCCGGGCTCCACCTCGACGCCCCCGGCCCGCGCCAGCCC[GC>AA]CCAGCGCCAGCGCCAGCAGCAGCCCCCGGTCGGGGCCCCGGGCCCCGAGTCCCCACATTG-3'
Protein context (NP_004165.2, residues 10-30): DRGLLLALAL[Gly20Val]GLARAGGVEV

ClinVar aggregate classification (germline): Uncertain significance (1 of 4 stars; one submission).

Submission:

GeneDx
Classification: Uncertain significance. Last evaluated: 2025-06-30. Review status: criteria provided, single submitter. Criteria: GeneDx Variant Classification Process June 2021. Collection method: clinical testing. Allele origin: germline. Affected: yes.
Comment: Not observed at significant frequency in large population cohorts (gnomAD); In silico analysis suggests that this variant does not alter protein structure/function; Has not been previously published as pathogenic or benign to our knowledge